The following is an entry in ClinVar:

NM_004329.3(BMPR1A):c.1449G>T (p.Val483=)

Gene: BMPR1A (bone morphogenetic protein receptor type 1A; plus strand). Cytogenetic location: 10q23.2.
Variant type: single nucleotide variant.
Coding change: c.1449G>T on transcript NM_004329.3 (MANE Select); coding-DNA position 1449, G replaced by T.
Protein change: p.Val483=; no amino-acid change (valine 483 retained).
Molecular consequence: synonymous variant.
Genome position (GRCh38, 1-based): chr10:86,923,482, G>T. VCF-style: chr10-86923482-G-T. GRCh37 (hg19) VCF-style: chr10-88683239-G-T.
Identifiers: ClinVar variation 482849 (VCV000482849.21), dbSNP rs759740989, ClinGen allele CA5585721.
Genomic context (GRCh38, chr10:86,923,482, plus strand): 5'-TGATCCGTCATACGAAGATATGCGTGAGGTTGTGTGTGTCAAACGTTTGCGGCCAATTGT[G>T]TCTAATCGGTGGAACAGTGATGAAGTGAGTGGAACTCAGTCCCCTGAAGAAGTGATTCGT-3'
Protein context (NP_004320.2, residues 473-493): VVCVKRLRPI[Val483=]SNRWNSDECL

ClinVar aggregate classification (germline): Benign/Likely benign. Review status: criteria provided, multiple submitters, no conflicts (2 of 4 stars). 6 submissions from 6 submitters: Benign (1); Likely benign (5). Last evaluated 2025-10-02.

Conditions:
Juvenile polyposis syndrome (JPS). Identifiers: Orphanet 2929, MedGen C0345893, MONDO:0017380, OMIM 174900.
Hereditary cancer-predisposing syndrome. Also called: Hereditary neoplastic syndrome; Neoplastic Syndromes, Hereditary; Tumor predisposition; Hereditary Cancer Syndrome. Identifiers: Orphanet 140162, MedGen C0027672, MeSH D009386, MONDO:0015356.

Allele frequency attached by ClinVar (database versions not stated): gnomAD exomes below 0.00001; ExAC 0.00001; TOPMed 0.00001.

Submissions (6):

Labcorp Genetics (formerly Invitae), Labcorp
Classification: Likely benign for Juvenile polyposis syndrome. Last evaluated: 2025-10-02. Review status: criteria provided, single submitter. Criteria: Invitae Variant Classification Sherloc (09022015). Collection method: clinical testing. Allele origin: germline.

Myriad Genetics, Inc.
Classification: Benign for Juvenile polyposis syndrome. Last evaluated: 2024-08-08. Review status: criteria provided, single submitter. Criteria: Myriad Autosomal Dominant, Autosomal Recessive and X-Linked Classification Criteria (2023). Collection method: clinical testing. Allele origin: unknown.
Comment: This variant is considered benign. This variant is a silent/synonymous amino acid change and it is not expected to impact splicing.

All of Us Research Program, National Institutes of Health
Classification: Likely benign for Juvenile polyposis syndrome. Last evaluated: 2023-06-08. Review status: criteria provided, single submitter. Criteria: ACMG Guidelines, 2015. Collection method: clinical testing. Allele origin: germline. Inheritance: Autosomal dominant inheritance. Observed: 1 variant allele, 1 heterozygote.
Comment: This study involves interpretation of variants in research participants for the purpose of population health screening. Participant phenotype was not available at the time of variant classification. Additional details can be found in publication PMID: 35346344, PMCID: PMC8962531

Color Diagnostics, LLC DBA Color Health
Classification: Likely benign for Hereditary cancer-predisposing syndrome. Last evaluated: 2019-05-28. Review status: criteria provided, single submitter. Criteria: ACMG Guidelines, 2015. Collection method: clinical testing. Allele origin: germline.

GeneDx
Classification: Likely benign. Last evaluated: 2018-12-17. Review status: criteria provided, single submitter. Criteria: GeneDx Variant Classification Process June 2021. Collection method: clinical testing. Allele origin: germline. Affected: yes.

Ambry Genetics
Classification: Likely benign for Hereditary cancer-predisposing syndrome. Last evaluated: 2016-06-02. Review status: criteria provided, single submitter. Criteria: Ambry Variant Classification Scheme 2023. Collection method: clinical testing. Allele origin: germline.